The following is an entry in ClinVar:

NM_033028.5(BBS4):c.562A>G (p.Ile188Val)

Gene: BBS4 (Bardet-Biedl syndrome 4; plus strand). Cytogenetic location: 15q24.1.
Variant type: single nucleotide variant.
Coding change: c.562A>G on transcript NM_033028.5 (MANE Select); coding-DNA position 562, A replaced by G.
Protein change: p.Ile188Val; replaces isoleucine 188 with valine.
Molecular consequence: missense variant. On other transcripts: non-coding transcript variant (2).
Genome position (GRCh38, 1-based): chr15:72,724,630, A>G. VCF-style: chr15-72724630-A-G. GRCh37 (hg19) VCF-style: chr15-73016971-A-G.
Other names: c.46A>G, p.Ile16Val (NM_001252678.2); c.562A>G, p.Ile188Val (NM_001320665.2); c.562A>G (NM_033028.4); short protein forms I16V, I188V.
Identifiers: ClinVar variation 1523187 (VCV001523187.9), dbSNP rs2151034404, ClinGen allele CA393076599.
Genomic context (GRCh38, chr15:72,724,630, plus strand): 5'-GATCTGACTTATATAATGCTGGGGAAGATCCACTTGCTGGAGGGAGACTTGGACAAGGCC[A>G]TTGAAGTCTACAAGAAAGCAGTGGAGTAAGTGTATCTGTTTCCTTTAAAACAGTGAGAAA-3'
Protein context (NP_149017.2, residues 178-198): HLLEGDLDKA[Ile188Val]EVYKKAVEFS

ClinVar aggregate classification (germline): Uncertain significance. Review status: criteria provided, multiple submitters, no conflicts (2 of 4 stars). 2 submissions from 2 submitters: Uncertain significance (2). Last evaluated 2024-12-18.

Conditions:
Bardet-Biedl syndrome (BBS). Identifiers: Orphanet 110, MedGen C0752166, MONDO:0015229.
BBS4-related disorder. Also called: BBS4-related condition.

gnomAD v4.1: 6 of 1,614,160 alleles (0.00037%); highest among the groups gnomAD compares: Non-Finnish European, 0.00051%; no homozygotes.

Submissions (2):

PreventionGenetics, part of Exact Sciences
Classification: Uncertain significance for BBS4-related condition. Last evaluated: 2024-12-18. Review status: criteria provided, single submitter. Criteria: ACMG Guidelines, 2015. Collection method: clinical testing. Allele origin: germline.
Comment: The BBS4 c.562A>G variant is predicted to result in the amino acid substitution p.Ile188Val. To our knowledge, this variant has not been reported in the literature or in a large population database (gnomAD), indicating this variant is rare. At this time, the clinical significance of this variant is uncertain due to the absence of conclusive functional and genetic evidence.

Labcorp Genetics (formerly Invitae), Labcorp
Classification: Uncertain significance for Bardet-Biedl syndrome. Last evaluated: 2022-07-19. Review status: criteria provided, single submitter. Criteria: Invitae Variant Classification Sherloc (09022015). Collection method: clinical testing. Allele origin: germline.
Comment: In summary, the available evidence is currently insufficient to determine the role of this variant in disease. Therefore, it has been classified as a Variant of Uncertain Significance. Algorithms developed to predict the effect of missense changes on protein structure and function are either unavailable or do not agree on the potential impact of this missense change (SIFT: "Deleterious"; PolyPhen-2: "Benign"; Align-GVGD: "Class C0"). ClinVar contains an entry for this variant (Variation ID: 1523187). This variant has not been reported in the literature in individuals affected with BBS4-related conditions. This variant is not present in population databases (gnomAD no frequency). This sequence change replaces isoleucine, which is neutral and non-polar, with valine, which is neutral and non-polar, at codon 188 of the BBS4 protein (p.Ile188Val).